The following is an entry in ClinVar:

NM_005333.5(HCCS):c.189C>T (p.Tyr63=)

Gene: HCCS (holocytochrome c synthase; plus strand). Cytogenetic location: Xp22.2.
Variant type: single nucleotide variant.
Coding change: c.189C>T on transcript NM_005333.5 (MANE Select); coding-DNA position 189, C replaced by T.
Protein change: p.Tyr63=; no amino-acid change (tyrosine 63 retained).
Molecular consequence: synonymous variant.
Genome position (GRCh38, 1-based): chrX:11,114,923, C>T. VCF-style: chrX-11114923-C-T. GRCh37 (hg19) VCF-style: chrX-11133043-C-T.
Other names: c.189C>T, p.Tyr63= (NM_001122608.3, NM_001171991.3).
Identifiers: ClinVar variation 719798 (VCV000719798.11), dbSNP rs138058070, ClinGen allele CA10347795.

ClinVar aggregate classification (germline): Benign. Review status: criteria provided, single submitter (1 of 4 stars). 2 submissions from 2 submitters: Benign (1). 1 of the submissions does not count toward it. Last evaluated 2024-07-30.

Conditions:
HCCS-related disorder. Also called: HCCS-related condition.

Allele frequency attached by ClinVar (database versions not stated): gnomAD exomes 0.00017 and 0.00041; gnomAD 0.00146 and 0.00138; 1000 Genomes Project 30x 0.00166; TOPMed 0.00173; ESP Exome Variant Server 0.00170; ExAC 0.00048; 1000 Genomes Project 0.00185.
gnomAD v4.1: 354 of 1,203,236 alleles (0.029%); highest among the groups gnomAD compares: African/African-American, 0.43%; no homozygotes.

Submissions (2):

Labcorp Genetics (formerly Invitae), Labcorp
Classification: Benign. Last evaluated: 2024-07-30. Review status: criteria provided, single submitter. Criteria: Invitae Variant Classification Sherloc (09022015). Collection method: clinical testing. Allele origin: germline.

PreventionGenetics, part of Exact Sciences
Classification: Benign for HCCS-related condition. Last evaluated: 2019-05-16. Review status: no assertion criteria provided. Collection method: clinical testing. Allele origin: germline. Not counted in ClinVar's aggregate classification.
Comment: This variant is classified as benign based on ACMG/AMP sequence variant interpretation guidelines (Richards et al. 2015 PMID: 25741868, with internal and published modifications).